The following is an entry in ClinVar:

NM_014877.4(HELZ):c.4358A>C (p.Gln1453Pro)

Gene: HELZ (helicase with zinc finger; minus strand). Cytogenetic location: 17q24.2.
Variant type: single nucleotide variant.
Coding change: c.4358A>C on transcript NM_014877.4 (MANE Select); coding-DNA position 4358, A replaced by C.
Protein change: p.Gln1453Pro; replaces glutamine 1453 with proline.
Molecular consequence: missense variant.
Genome position (GRCh38, 1-based): chr17:67,109,247, T>G on the plus strand (A>C on the coding strand, the complement: HELZ is on the minus strand). VCF-style: chr17-67109247-T-G. GRCh37 (hg19) VCF-style: chr17-65105363-T-G.
Other names: c.4361A>C, p.Gln1454Pro (NM_001330447.2); short protein forms Q1453P, Q1454P.
Identifiers: ClinVar variation 3387946 (VCV003387946.14).
Genomic context (GRCh38, chr17:67,109,247, plus strand): 5'-GGGCCGGGTTGTGCAATGGCTCTCAGAGGACTGTGGCCTTCTTGCAGCATGGGAGGGGGC[T>G]GCTGCTCCGGAATTACAGCTTCTGCAGGAGGAGACTGTGGCCGATGAGCAACTGCACTAT-3'
Protein context (NP_055692.3, residues 1443-1463): PPAEAVIPEQ[Gln1453Pro]PPPMLQEGHS

ClinVar aggregate classification (germline): Likely benign (1 of 4 stars; one submission).

gnomAD v4.1: 3,840 of 1,614,156 alleles (0.24%); highest among the groups gnomAD compares: Middle Eastern, 2.8%; 40 homozygotes.

Submission:

CeGaT Center for Human Genetics Tuebingen
Classification: Likely benign. Last evaluated: 2024-10-01. Review status: criteria provided, single submitter. Criteria: CeGaT Center For Human Genetics Tuebingen Variant Classification Criteria Version 2. Collection method: clinical testing. Allele origin: germline. Affected: yes. Observed: 1 variant allele.
Comment: HELZ: BP4, BS2